The following is an entry in ClinVar:

NM_005070.4(SLC4A3):c.310C>T (p.Arg104Trp)

Gene: SLC4A3 (solute carrier family 4 member 3; plus strand). Cytogenetic location: 2q35.
Variant type: single nucleotide variant.
Coding change: c.310C>T on transcript NM_005070.4 (MANE Select); coding-DNA position 310, C replaced by T.
Protein change: p.Arg104Trp; replaces arginine 104 with tryptophan.
Molecular consequence: missense variant. On other transcripts: non-coding transcript variant (1).
Genome position (GRCh38, 1-based): chr2:219,629,236, C>T. VCF-style: chr2-219629236-C-T. GRCh37 (hg19) VCF-style: chr2-220493958-C-T.
Other names: c.310C>T, p.Arg104Trp (NM_001326559.2, NM_201574.3); short protein forms R104W.
Identifiers: ClinVar variation 3042967 (VCV003042967.2), dbSNP rs184135231, ClinGen allele CA2133565.
Genomic context (GRCh38, chr2:219,629,236, plus strand): 5'-CCGCTCTCAGCGCGCCTGCCTCCACCCCACAAGCTGCGGCGGCTGCCCCCCACCTCTGCC[C>T]GGCACACCAGGAGAAAGAGGAAGAAGGAGAAAACCTCTGCTCCTCCCTCCGAGGGGACCC-3'
Protein context (NP_005061.3, residues 94-114): KLRRLPPTSA[Arg104Trp]HTRRKRKKEK

ClinVar aggregate classification (germline): Likely benign (0 of 4 stars; one submission).

Conditions:
SLC4A3-related disorder. Also called: SLC4A3-related condition.

Allele frequency attached by ClinVar (database versions not stated): ExAC 0.00079; 1000 Genomes Project 30x 0.00141; 1000 Genomes Project 0.00160.
gnomAD v4.1: 563 of 1,613,564 alleles (0.035%); highest among the groups gnomAD compares: East Asian, 0.41%; 3 homozygotes.

Submission:

PreventionGenetics, part of Exact Sciences
Classification: Likely benign for SLC4A3-related condition. Last evaluated: 2022-12-28. Review status: no assertion criteria provided. Collection method: clinical testing. Allele origin: germline.
Comment: This variant is classified as likely benign based on ACMG/AMP sequence variant interpretation guidelines (Richards et al. 2015 PMID: 25741868, with internal and published modifications).